The following is an entry in ClinVar:

ClinVar aggregate classification (germline): Uncertain significance (1 of 4 stars; one submission).

Conditions:
Leber congenital amaurosis 12 (LCA12). Identifiers: Orphanet 65, MedGen C1857743, MONDO:0012525, OMIM 610612.

Submission:

Labcorp Genetics (formerly Invitae), Labcorp
Classification: Uncertain significance for Leber congenital amaurosis 12. Last evaluated: 2022-07-12. Review status: criteria provided, single submitter. Criteria: Invitae Variant Classification Sherloc (09022015). Collection method: clinical testing. Allele origin: germline.
Comment: In summary, the available evidence is currently insufficient to determine the role of this variant in disease. Therefore, it has been classified as a Variant of Uncertain Significance. Algorithms developed to predict the effect of sequence changes on RNA splicing suggest that this variant may disrupt the consensus splice site. Algorithms developed to predict the effect of missense changes on protein structure and function (SIFT, PolyPhen-2, Align-GVGD) all suggest that this variant is likely to be disruptive. ClinVar contains an entry for this variant (Variation ID: 1353278). This variant has not been reported in the literature in individuals affected with RD3-related conditions. This variant is not present in population databases (gnomAD no frequency). This sequence change replaces leucine, which is neutral and non-polar, with arginine, which is basic and polar, at codon 122 of the RD3 protein (p.Leu122Arg).

NM_001164688.2(RD3):c.365T>G (p.Leu122Arg)

Gene: RD3 (RD3 regulator of GUCY2D; minus strand). Cytogenetic location: 1q32.3.
Variant type: single nucleotide variant.
Coding change: c.365T>G on transcript NM_001164688.2 (MANE Select); coding-DNA position 365, T replaced by G.
Protein change: p.Leu122Arg; replaces leucine 122 with arginine.
Molecular consequence: missense variant.
Genome position (GRCh38, 1-based): chr1:211,479,259, A>C on the plus strand (T>G on the coding strand, the complement: RD3 is on the minus strand). VCF-style: chr1-211479259-A-C. GRCh37 (hg19) VCF-style: chr1-211652601-A-C.
Other names: c.365T>G, p.Leu122Arg (NM_183059.3); short protein forms L122R.
Identifiers: ClinVar variation 1353278 (VCV001353278.6), dbSNP rs2102366503, ClinGen allele CA344878987.
Genomic context (GRCh38, chr1:211,479,259, plus strand): 5'-CACTGGCGCGTCAGCTTGTGGGCCTCCTCTTCCTGCTTCATCCTCTCCAGGACCTCCTGC[A>C]GCACCGAGCGGAAGAGCTGGGACACCTCCTGCACCTCGGGCTCCTGCTCCGCCAGCAGCT-3'
Protein context (NP_001158160.1, residues 112-132): QEVSQLFRSV[Leu122Arg]QEVLERMKQE